The following is an entry in ClinVar:

ClinVar aggregate classification (germline): Uncertain significance (1 of 4 stars; one submission).

gnomAD v4.1: 1 of 1,294,734 alleles (0.000077%); highest among the groups gnomAD compares: Non-Finnish European, 0.000097%; no homozygotes.

Submission:

GeneDx
Classification: Uncertain significance. Last evaluated: 2023-10-31. Review status: criteria provided, single submitter. Criteria: GeneDx Variant Classification Process June 2021. Collection method: clinical testing. Allele origin: germline. Affected: yes.
Comment: Not observed at significant frequency in large population cohorts (gnomAD); In silico analysis supports that this missense variant has a deleterious effect on protein structure/function; Has not been previously published as pathogenic or benign to our knowledge

NM_016148.5(SHANK1):c.4135A>G (p.Arg1379Gly)

Gene: SHANK1 (SH3 and multiple ankyrin repeat domains 1; minus strand). Cytogenetic location: 19q13.33.
Variant type: single nucleotide variant.
Coding change: c.4135A>G on transcript NM_016148.5 (MANE Select); coding-DNA position 4135, A replaced by G.
Protein change: p.Arg1379Gly; replaces arginine 1379 with glycine.
Molecular consequence: missense variant.
Genome position (GRCh38, 1-based): chr19:50,667,825, T>C on the plus strand (A>G on the coding strand, the complement: SHANK1 is on the minus strand). VCF-style: chr19-50667825-T-C. GRCh37 (hg19) VCF-style: chr19-51171082-T-C.
Other names: short protein forms R1379G.
Identifiers: ClinVar variation 3340320 (VCV003340320.1).